The following is an entry in ClinVar:

ClinVar aggregate classification (germline): Benign (1 of 4 stars; one submission).

Allele frequency attached by ClinVar (database versions not stated): 1000 Genomes Project 30x 0.22049; 1000 Genomes Project 0.22224; TOPMed 0.26286; gnomAD 0.27891.
gnomAD v4.1: 187,144 of 587,934 alleles (32%); highest among the groups gnomAD compares: Non-Finnish European, 36%; 32,085 homozygotes.

Submission:

GeneDx
Classification: Benign. Last evaluated: 2018-06-14. Review status: criteria provided, single submitter. Criteria: GeneDx Variant Classification (06012015). Collection method: clinical testing. Allele origin: germline. Affected: yes.
Comment: This variant is considered likely benign or benign based on one or more of the following criteria: it is a conservative change, it occurs at a poorly conserved position in the protein, it is predicted to be benign by multiple in silico algorithms, and/or has population frequency not consistent with disease.

NM_020442.6(VARS2):c.672-219A>G

Gene: VARS2 (valyl-tRNA synthetase 2, mitochondrial; plus strand). Cytogenetic location: 6p21.33.
Variant type: single nucleotide variant.
Coding change: c.672-219A>G on transcript NM_020442.6 (MANE Select); 219 bases into the intron before coding-DNA position 672, A replaced by G.
Molecular consequence: intron variant.
Genome position (GRCh38, 1-based): chr6:30,916,659, A>G. VCF-style: chr6-30916659-A-G. GRCh37 (hg19) VCF-style: chr6-30884436-A-G.
Other names: c.762-219A>G (NM_001167734.2); c.252-219A>G (NM_001167733.3).
Identifiers: ClinVar variation 669590 (VCV000669590.1), dbSNP rs1264298, ClinGen allele CA15428550.